The following is an entry in ClinVar:

NM_001128840.3(CACNA1D):c.4127C>A (p.Ala1376Asp)

Gene: CACNA1D (calcium voltage-gated channel subunit alpha1 D; plus strand). Cytogenetic location: 3p21.1.
Variant type: single nucleotide variant.
Coding change: c.4127C>A on transcript NM_001128840.3 (MANE Select); coding-DNA position 4127, C replaced by A.
Protein change: p.Ala1376Asp; replaces alanine 1376 with aspartic acid.
Molecular consequence: missense variant.
Genome position (GRCh38, 1-based): chr3:53,774,603, C>A. VCF-style: chr3-53774603-C-A. GRCh37 (hg19) VCF-style: chr3-53808630-C-A.
Other names: c.4187C>A, p.Ala1396Asp (NM_000720.4); c.4082C>A, p.Ala1361Asp (NM_001128839.3); short protein forms A1361D, A1376D, A1396D.
Identifiers: ClinVar variation 1427706 (VCV001427706.6), dbSNP rs745689505, ClinGen allele CA2454816.
Genomic context (GRCh38, chr3:53,774,603, plus strand): 5'-ATGACGAAATCTATTCTCTTTTTCCTGACAACTTCTCCACCTAGATGTTTGGGAAAGTTG[C>A]CATGAGAGATAACAACCAGATCAATAGGAACAATAACTTCCAGACGTTTCCCCAGGCGGT-3'
Protein context (NP_001122312.1, residues 1366-1386): VIGMQMFGKV[Ala1376Asp]MRDNNQINRN

ClinVar aggregate classification (germline): Uncertain significance (1 of 4 stars; one submission).

Allele frequency attached by ClinVar (database versions not stated): gnomAD exomes below 0.00001.
gnomAD v4.1: 3 of 1,604,058 alleles (0.00019%); highest among the groups gnomAD compares: Middle Eastern, 0.017%; no homozygotes.

Submission:

Labcorp Genetics (formerly Invitae), Labcorp
Classification: Uncertain significance. Last evaluated: 2025-12-15. Review status: criteria provided, single submitter. Criteria: Invitae Variant Classification Sherloc (09022015). Collection method: clinical testing. Allele origin: germline.
Comment: This sequence change replaces alanine, which is neutral and non-polar, with aspartic acid, which is acidic and polar, at codon 1396 of the CACNA1D protein (p.Ala1396Asp). This variant is present in population databases (rs745689505, gnomAD 0.0009%). This variant has not been reported in the literature in individuals affected with CACNA1D-related conditions. ClinVar contains an entry for this variant (Variation ID: 1427706). Invitae Evidence Modeling of protein sequence and biophysical properties (such as structural, functional, and spatial information, amino acid conservation, physicochemical variation, residue mobility, and thermodynamic stability) indicates that this missense variant is not expected to disrupt CACNA1D protein function with a negative predictive value of 80%. In summary, the available evidence is currently insufficient to determine the role of this variant in disease. Therefore, it has been classified as a Variant of Uncertain Significance.